The following is an entry in ClinVar:

ClinVar aggregate classification (germline): Uncertain significance (1 of 4 stars; one submission).

Conditions:
Inborn genetic diseases. Identifiers: MedGen C0950123, MeSH D030342.

gnomAD v4.1: 2 of 1,609,626 alleles (0.00012%); highest among the groups gnomAD compares: East Asian, 0.0022%; no homozygotes.

Submission:

Ambry Genetics
Classification: Uncertain significance for Inborn genetic diseases. Last evaluated: 2026-03-26. Review status: criteria provided, single submitter. Criteria: Ambry Variant Classification Scheme 2023. Collection method: clinical testing. Allele origin: germline.
Comment: The p.T504A variant (also known as c.1510A>G), located in coding exon 9 of the RECQL4 gene, results from an A to G substitution at nucleotide position 1510. The threonine at codon 504 is replaced by alanine, an amino acid with similar properties. This amino acid position is conserved. In addition, this alteration is predicted to be deleterious by in silico analysis. Based on the available evidence, the clinical significance of this variant remains unclear.

NM_004260.4(RECQL4):c.1510A>G (p.Thr504Ala)

Gene: RECQL4 (RecQ like helicase 4; minus strand). Cytogenetic location: 8q24.3.
Variant type: single nucleotide variant.
Coding change: c.1510A>G on transcript NM_004260.4 (MANE Select); coding-DNA position 1510, A replaced by G.
Protein change: p.Thr504Ala; replaces threonine 504 with alanine.
Molecular consequence: missense variant. On other transcripts: non-coding transcript variant (3), intron variant (2).
Genome position (GRCh38, 1-based): chr8:144,515,046, T>C on the plus strand (A>G on the coding strand, the complement: RECQL4 is on the minus strand). VCF-style: chr8-144515046-T-C. GRCh37 (hg19) VCF-style: chr8-145740430-T-C.
Other names: c.1510A>G, p.Thr504Ala (NM_001413033.1, NM_001413036.1, NM_001413018.1 and 1 more transcripts); c.439A>G, p.Thr147Ala (NM_001413034.1, NM_001413035.1, NM_001413037.1 and 7 more transcripts); c.373A>G, p.Thr125Ala (NM_001413041.1, NM_001413027.1, NM_001413030.1 and 2 more transcripts); c.43A>G, p.Thr15Ala (NM_001413043.1); c.1414A>G, p.Thr472Ala (NM_001413017.1, NM_001413020.1); c.1381A>G, p.Thr461Ala (NM_001413025.1); c.1159A>G, p.Thr387Ala (NM_001413029.1); c.1484-4A>G (NM_001413039.1); and 1 more; short protein forms T125A, T147A, T15A, T387A, T461A, T472A, T504A.
Identifiers: ClinVar variation 4863149 (VCV004863149.1).